The following is an entry in ClinVar:

NM_153033.5(KCTD7):c.836G>T (p.Arg279Leu)

Gene: KCTD7 (potassium channel tetramerization domain containing 7; plus strand). Cytogenetic location: 7q11.21.
Variant type: single nucleotide variant.
Coding change: c.836G>T on transcript NM_153033.5 (MANE Select); coding-DNA position 836, G replaced by T.
Protein change: p.Arg279Leu; replaces arginine 279 with leucine.
Molecular consequence: missense variant.
Genome position (GRCh38, 1-based): chr7:66,639,198, G>T. VCF-style: chr7-66639198-G-T. GRCh37 (hg19) VCF-style: chr7-66104185-G-T.
Other names: c.836G>T, p.Arg279Leu (NM_001167961.2); short protein forms R279L.
Identifiers: ClinVar variation 2632712 (VCV002632712.1), dbSNP rs768924233, ClinGen allele CA367697701.

ClinVar aggregate classification (germline): Uncertain significance (1 of 4 stars; one submission).

Conditions:
KCTD7-related disorder. Also called: KCTD7-related condition.

Submission:

PreventionGenetics, part of Exact Sciences
Classification: Uncertain significance for KCTD7-related condition. Last evaluated: 2023-05-21. Review status: criteria provided, single submitter. Criteria: ACMG Guidelines, 2015. Collection method: clinical testing. Allele origin: germline.
Comment: The KCTD7 c.836G>T variant is predicted to result in the amino acid substitution p.Arg279Leu. To our knowledge, this variant has not been reported in the literature or in a large population database, indicating this variant is rare. At this time, the clinical significance of this variant is uncertain due to the absence of conclusive functional and genetic evidence.